The following is an entry in ClinVar:

ClinVar aggregate classification (germline): Uncertain significance (1 of 4 stars; one submission).

Conditions:
Fanconi anemia (FA). Also called: Fanconi's anemia. Identifiers: Orphanet 84, MedGen C0015625, MeSH D005199, MONDO:0019391.

Submission:

Labcorp Genetics (formerly Invitae), Labcorp
Classification: Uncertain significance for Fanconi anemia. Last evaluated: 2024-05-08. Review status: criteria provided, single submitter. Criteria: Invitae Variant Classification Sherloc (09022015). Collection method: clinical testing. Allele origin: germline.
Comment: This sequence change replaces alanine, which is neutral and non-polar, with threonine, which is neutral and polar, at codon 1972 of the FANCM protein (p.Ala1972Thr). This variant is not present in population databases (gnomAD no frequency). This variant has not been reported in the literature in individuals affected with FANCM-related conditions. ClinVar contains an entry for this variant (Variation ID: 1484733). Algorithms developed to predict the effect of missense changes on protein structure and function output the following: SIFT: "Not Available"; PolyPhen-2: "Benign"; Align-GVGD: "Not Available". The threonine amino acid residue is found in multiple mammalian species, which suggests that this missense change does not adversely affect protein function. In summary, the available evidence is currently insufficient to determine the role of this variant in disease. Therefore, it has been classified as a Variant of Uncertain Significance.

NM_020937.4(FANCM):c.5914G>A (p.Ala1972Thr)

Gene: FANCM (FA complementation group M; plus strand). Cytogenetic location: 14q21.2.
Variant type: single nucleotide variant.
Coding change: c.5914G>A on transcript NM_020937.4 (MANE Select); coding-DNA position 5914, G replaced by A.
Protein change: p.Ala1972Thr; replaces alanine 1972 with threonine.
Molecular consequence: missense variant.
Genome position (GRCh38, 1-based): chr14:45,198,841, G>A. VCF-style: chr14-45198841-G-A. GRCh37 (hg19) VCF-style: chr14-45668044-G-A.
Other names: c.5836G>A, p.Ala1946Thr (NM_001308133.2); short protein forms A1946T, A1972T.
Identifiers: ClinVar variation 1484733 (VCV001484733.8), dbSNP rs2139329078, ClinGen allele CA389587354.